The following is an entry in ClinVar:

NM_016038.4(SBDS):c.71G>A (p.Gly24Glu)

Gene: SBDS (SBDS ribosome maturation factor; minus strand). Cytogenetic location: 7q11.21.
Variant type: single nucleotide variant.
Coding change: c.71G>A on transcript NM_016038.4 (MANE Select); coding-DNA position 71, G replaced by A.
Protein change: p.Gly24Glu; replaces glycine 24 with glutamic acid.
Molecular consequence: missense variant.
Genome position (GRCh38, 1-based): chr7:66,995,347, C>T on the plus strand (G>A on the coding strand, the complement: SBDS is on the minus strand). VCF-style: chr7-66995347-C-T. GRCh37 (hg19) VCF-style: chr7-66460334-C-T.
Other names: short protein forms G24E.
Identifiers: ClinVar variation 3437524 (VCV003437524.1).
Genomic context (GRCh38, chr7:66,995,347, plus strand): 5'-CACACGCCGCTCCGCCAGCCGACGACCTTGTTTTTGTAGCAGGCGATTTCGAAGCGCTTC[C>T]CGGCACGCTTCATCCGTACCACGGCCACATTGGTTAGGCGGATCTGGTTGGTGGGGGTGA-3'
Protein context (NP_057122.2, residues 14-34): NVAVVRMKRA[Gly24Glu]KRFEIACYKN

ClinVar aggregate classification (germline): Uncertain significance (1 of 4 stars; one submission).

Conditions:
Inborn genetic diseases. Identifiers: MedGen C0950123, MeSH D030342.

Submission:

Ambry Genetics
Classification: Uncertain significance for Inborn genetic diseases. Last evaluated: 2024-11-24. Review status: criteria provided, single submitter. Criteria: Ambry Variant Classification Scheme 2023. Collection method: clinical testing. Allele origin: germline.
Comment: The p.G24E variant (also known as c.71G>A), located in coding exon 1 of the SBDS gene, results from a G to A substitution at nucleotide position 71. The glycine at codon 24 is replaced by glutamic acid, an amino acid with similar properties. This amino acid position is conserved. In addition, this alteration is predicted to be deleterious by in silico analysis. Based on the available evidence, the clinical significance of this variant remains unclear.